The following is an entry in ClinVar:

ClinVar aggregate classification (germline): Conflicting classifications of pathogenicity. Review status: criteria provided, conflicting classifications (1 of 4 stars). 3 submissions from 3 submitters: Uncertain significance (2); Likely benign (1). Last evaluated 2025-07-21.

Conditions:
Cardiovascular phenotype. Identifiers: MedGen CN230736.
Legius syndrome. Identifiers: Orphanet 137605, MedGen C1969623, MONDO:0012669, OMIM 611431. Disease mechanism: loss of function.

Allele frequency attached by ClinVar (database versions not stated): ExAC 0.00002; gnomAD exomes 0.00002; TOPMed 0.00003; gnomAD 0.00004 and 0.00005; 1000 Genomes Project 0.00020; 1000 Genomes Project 30x 0.00031.
gnomAD v4.1: 32 of 1,613,944 alleles (0.002%); highest among the groups gnomAD compares: Admixed American, 0.005%; no homozygotes.

Submissions (3):

Labcorp Genetics (formerly Invitae), Labcorp
Classification: Uncertain significance for Legius syndrome. Last evaluated: 2025-07-21. Review status: criteria provided, single submitter. Criteria: Invitae Variant Classification Sherloc (09022015). Collection method: clinical testing. Allele origin: germline.
Comment: This sequence change replaces alanine, which is neutral and non-polar, with valine, which is neutral and non-polar, at codon 432 of the SPRED1 protein (p.Ala432Val). This variant is present in population databases (rs200871227, gnomAD 0.009%). This variant has not been reported in the literature in individuals affected with SPRED1-related conditions. ClinVar contains an entry for this variant (Variation ID: 468792). Invitae Evidence Modeling incorporating data from in vitro experimental studies (internal data) indicates that this missense variant is not expected to disrupt SPRED1 function with a negative predictive value of 95%. Algorithms developed to predict the effect of sequence changes on RNA splicing suggest that this variant may create or strengthen a splice site. In summary, the available evidence is currently insufficient to determine the role of this variant in disease. Therefore, it has been classified as a Variant of Uncertain Significance.

CeGaT Center for Human Genetics Tuebingen
Classification: Uncertain significance. Last evaluated: 2024-03-01. Review status: criteria provided, single submitter. Criteria: CeGaT Center For Human Genetics Tuebingen Variant Classification Criteria Version 2. Collection method: clinical testing. Allele origin: germline. Affected: yes. Observed: 1 variant allele.

Ambry Genetics
Classification: Likely benign for Cardiovascular phenotype. Last evaluated: 2023-03-05. Review status: criteria provided, single submitter. Criteria: Ambry Variant Classification Scheme 2023. Collection method: clinical testing. Allele origin: germline.

NM_152594.3(SPRED1):c.1295C>T (p.Ala432Val)

Gene: SPRED1 (sprouty related EVH1 domain containing 1; plus strand). Cytogenetic location: 15q14.
Variant type: single nucleotide variant.
Coding change: c.1295C>T on transcript NM_152594.3 (MANE Select); coding-DNA position 1295, C replaced by T.
Protein change: p.Ala432Val; replaces alanine 432 with valine.
Molecular consequence: missense variant.
Genome position (GRCh38, 1-based): chr15:38,351,624, C>T. VCF-style: chr15-38351624-C-T. GRCh37 (hg19) VCF-style: chr15-38643825-C-T.
Other names: short protein forms A432V.
Identifiers: ClinVar variation 468792 (VCV000468792.31), dbSNP rs200871227, ClinGen allele CA7470259.